The following is an entry in ClinVar:

NM_014516.4(CNOT3):c.537C>T (p.His179=)

Gene: CNOT3 (CCR4-NOT transcription complex subunit 3; plus strand). Cytogenetic location: 19q13.42.
Variant type: single nucleotide variant.
Coding change: c.537C>T on transcript NM_014516.4 (MANE Select); coding-DNA position 537, C replaced by T.
Protein change: p.His179=; no amino-acid change (histidine 179 retained).
Molecular consequence: synonymous variant.
Genome position (GRCh38, 1-based): chr19:54,145,651, C>T. VCF-style: chr19-54145651-C-T. GRCh37 (hg19) VCF-style: chr19-54649387-C-T.
Identifiers: ClinVar variation 3042948 (VCV003042948.2), dbSNP rs149814896, ClinGen allele CA309339069.

ClinVar aggregate classification (germline): Likely benign (0 of 4 stars; one submission).

Conditions:
CNOT3-related disorder. Also called: CNOT3-related condition.

Allele frequency attached by ClinVar (database versions not stated): gnomAD exomes 0.00002; ExAC 0.00005; ESP Exome Variant Server 0.00008; gnomAD 0.00009; TOPMed 0.00012; 1000 Genomes Project 30x 0.00016; 1000 Genomes Project 0.00020.
gnomAD v4.1: 50 of 1,613,792 alleles (0.0031%); highest among the groups gnomAD compares: African/African-American, 0.035%; no homozygotes.

Submission:

PreventionGenetics, part of Exact Sciences
Classification: Likely benign for CNOT3-related condition. Last evaluated: 2019-07-01. Review status: no assertion criteria provided. Collection method: clinical testing. Allele origin: germline.
Comment: This variant is classified as likely benign based on ACMG/AMP sequence variant interpretation guidelines (Richards et al. 2015 PMID: 25741868, with internal and published modifications).